The following is an entry in ClinVar:

ClinVar aggregate classification (germline): Uncertain significance (1 of 4 stars; one submission).

Conditions:
Multiple endocrine neoplasia, type 2 (MEN2). Identifiers: Orphanet 653, MedGen C4048306, MONDO:0019003. Disease mechanism: gain of function.

Submission:

Labcorp Genetics (formerly Invitae), Labcorp
Classification: Uncertain significance for Multiple endocrine neoplasia, type 2. Last evaluated: 2022-05-22. Review status: criteria provided, single submitter. Criteria: Invitae Variant Classification Sherloc (09022015). Collection method: clinical testing. Allele origin: germline.
Comment: In summary, the available evidence is currently insufficient to determine the role of this variant in disease. Therefore, it has been classified as a Variant of Uncertain Significance. Algorithms developed to predict the effect of missense changes on protein structure and function (SIFT, PolyPhen-2, Align-GVGD) all suggest that this variant is likely to be tolerated. This variant has not been reported in the literature in individuals affected with RET-related conditions. This variant is not present in population databases (gnomAD no frequency). This sequence change replaces arginine, which is basic and polar, with proline, which is neutral and non-polar, at codon 297 of the RET protein (p.Arg297Pro).

NM_020975.6(RET):c.890G>C (p.Arg297Pro)

Gene: RET (ret proto-oncogene; plus strand). Cytogenetic location: 10q11.21.
Variant type: single nucleotide variant.
Coding change: c.890G>C on transcript NM_020975.6 (MANE Select); coding-DNA position 890, G replaced by C.
Protein change: p.Arg297Pro; replaces arginine 297 with proline.
Molecular consequence: missense variant.
Genome position (GRCh38, 1-based): chr10:43,106,398, G>C. VCF-style: chr10-43106398-G-C. GRCh37 (hg19) VCF-style: chr10-43601846-G-C.
Other names: c.890G>C, p.Arg297Pro (NM_000323.2, NM_001406743.1, NM_001406744.1 and 6 more transcripts); c.128G>C, p.Arg43Pro (NM_001355216.2); c.761G>C, p.Arg254Pro (NM_001406761.1, NM_001406762.1, NM_001406764.1 and 1 more transcripts); c.602G>C, p.Arg201Pro (NM_001406766.1, NM_001406767.1, NM_001406770.1); short protein forms R254P, R297P, R201P, R43P.
Identifiers: ClinVar variation 2131866 (VCV002131866.4), dbSNP rs1480040525, ClinGen allele CA376545708.
Genomic context (GRCh38, chr10:43,106,398, plus strand): 5'-TCTCGCCTGCACTGACCAACGCCCTCTGCATCCTGCAGGACACCGTGGTGGCCACGCTGC[G>C]TGTCTTCGATGCAGACGTGGTACCTGCATCAGGGGAGCTGGTGAGGCGGTACACAAGCAC-3'
Protein context (NP_066124.1, residues 287-307): RKEDTVVATL[Arg297Pro]VFDADVVPAS